The following is an entry in ClinVar:

NM_001161352.2(KCNMA1):c.1904A>G (p.Tyr635Cys)

Gene: KCNMA1 (potassium calcium-activated channel subfamily M alpha 1; minus strand). Cytogenetic location: 10q22.3.
Variant type: single nucleotide variant.
Coding change: c.1904A>G on transcript NM_001161352.2 (MANE Select); coding-DNA position 1904, A replaced by G.
Protein change: p.Tyr635Cys; replaces tyrosine 635 with cysteine.
Molecular consequence: missense variant.
Genome position (GRCh38, 1-based): chr10:77,027,847, T>C on the plus strand (A>G on the coding strand, the complement: KCNMA1 is on the minus strand). VCF-style: chr10-77027847-T-C. GRCh37 (hg19) VCF-style: chr10-78787605-T-C.
Other names: c.1904A>G, p.Tyr635Cys (NM_001014797.3, NM_001161353.2, NM_001271519.2 and 8 more transcripts); c.1742A>G, p.Tyr581Cys (NM_001271518.2); c.1364A>G, p.Tyr455Cys (NM_001322838.2); short protein forms Y581C, Y635C, Y455C.
Identifiers: ClinVar variation 3020487 (VCV003020487.3), dbSNP rs2551593326, ClinGen allele CA377409688.

ClinVar aggregate classification (germline): Uncertain significance (1 of 4 stars; one submission).

Conditions:
Generalized epilepsy-paroxysmal dyskinesia syndrome (PNKD3). Also called: Generalized epilepsy and paroxysmal dyskinesia; Paroxysmal nonkinesigenic dyskinesia, 3, with or without generalized epilepsy. Identifiers: Orphanet 79137, MedGen C5574945, MONDO:0012276, OMIM 609446.

Allele frequency attached by ClinVar (database versions not stated): gnomAD exomes below 0.00001.
gnomAD v4.1: 7 of 1,613,934 alleles (0.00043%); highest among the groups gnomAD compares: Non-Finnish European, 0.00051%; no homozygotes.

Submission:

Labcorp Genetics (formerly Invitae), Labcorp
Classification: Uncertain significance for Generalized epilepsy-paroxysmal dyskinesia syndrome. Last evaluated: 2023-12-11. Review status: criteria provided, single submitter. Criteria: Invitae Variant Classification Sherloc (09022015). Collection method: clinical testing. Allele origin: germline.
Comment: This sequence change replaces tyrosine, which is neutral and polar, with cysteine, which is neutral and slightly polar, at codon 635 of the KCNMA1 protein (p.Tyr635Cys). This variant is not present in population databases (gnomAD no frequency). This variant has not been reported in the literature in individuals affected with KCNMA1-related conditions. Advanced modeling of protein sequence and biophysical properties (such as structural, functional, and spatial information, amino acid conservation, physicochemical variation, residue mobility, and thermodynamic stability) performed at Invitae indicates that this missense variant is not expected to disrupt KCNMA1 protein function with a negative predictive value of 80%. In summary, the available evidence is currently insufficient to determine the role of this variant in disease. Therefore, it has been classified as a Variant of Uncertain Significance.